The following is an entry in ClinVar:

NM_001698.3(AUH):c.31G>A (p.Ala11Thr)

Genes: AUH (AU RNA binding methylglutaconyl-CoA hydratase; minus strand), LOC130002059 (ATAC-STARR-seq lymphoblastoid silent region 20025; plus strand). Cytogenetic location: 9q22.31.
Variant type: single nucleotide variant.
Coding change: c.31G>A on transcript NM_001698.3 (MANE Select); coding-DNA position 31, G replaced by A.
Protein change: p.Ala11Thr; replaces alanine 11 with threonine.
Molecular consequence: missense variant. On other transcripts: 5 prime UTR variant (3).
Genome position (GRCh38, 1-based): chr9:91,361,859, C>T on the plus strand (G>A on the coding strand, the complement: AUH is on the minus strand). VCF-style: chr9-91361859-C-T. GRCh37 (hg19) VCF-style: chr9-94124141-C-T.
Other names: c.-367G>A (NM_001351433.2, NM_001351431.2); c.31G>A, p.Ala11Thr (NM_001306190.2); c.-459G>A (NM_001351432.2); short protein forms A11T.
Identifiers: ClinVar variation 3618501 (VCV003618501.2).

ClinVar aggregate classification (germline): Uncertain significance (1 of 4 stars; one submission).

Conditions:
3-methylglutaconic aciduria type 1 (MGCA1). Identifiers: Orphanet 67046, MedGen C0342727, MONDO:0009610, OMIM 250950.

gnomAD v4.1: 5 of 1,476,950 alleles (0.00034%); highest among the groups gnomAD compares: Middle Eastern, 0.021%; no homozygotes.

Submission:

Labcorp Genetics (formerly Invitae), Labcorp
Classification: Uncertain significance for 3-methylglutaconic aciduria type 1. Last evaluated: 2025-01-01. Review status: criteria provided, single submitter. Criteria: Invitae Variant Classification Sherloc (09022015). Collection method: clinical testing. Allele origin: germline.
Comment: This sequence change replaces alanine, which is neutral and non-polar, with threonine, which is neutral and polar, at codon 11 of the AUH protein (p.Ala11Thr). The frequency data for this variant in the population databases is considered unreliable, as metrics indicate poor data quality at this position in the gnomAD database. This variant has not been reported in the literature in individuals affected with AUH-related conditions. An algorithm developed to predict the effect of missense changes on protein structure and function outputs the following: PolyPhen-2: "Not Available". The threonine amino acid residue is found in multiple mammalian species, which suggests that this missense change does not adversely affect protein function. In summary, the available evidence is currently insufficient to determine the role of this variant in disease. Therefore, it has been classified as a Variant of Uncertain Significance.